The following is an entry in ClinVar:

ClinVar aggregate classification (germline): Uncertain significance (1 of 4 stars; one submission).

Conditions:
Hereditary cancer-predisposing syndrome. Also called: Hereditary Cancer Syndrome; Hereditary neoplastic syndrome; Neoplastic Syndromes, Hereditary; Tumor predisposition. Identifiers: Orphanet 140162, MedGen C0027672, MeSH D009386, MONDO:0015356.

Submission:

Ambry Genetics
Classification: Uncertain significance for Hereditary cancer-predisposing syndrome. Last evaluated: 2022-05-12. Review status: criteria provided, single submitter. Criteria: Ambry Variant Classification Scheme 2023. Collection method: clinical testing. Allele origin: germline.
Comment: The p.L342V variant (also known as c.1024C>G), located in coding exon 9 of the NBN gene, results from a C to G substitution at nucleotide position 1024. The leucine at codon 342 is replaced by valine, an amino acid with highly similar properties. This amino acid position is conserved. In addition, this alteration is predicted to be tolerated by in silico analysis. Since supporting evidence is limited at this time, the clinical significance of this alteration remains unclear.

NM_002485.5(NBN):c.1024C>G (p.Leu342Val)

Gene: NBN (nibrin; minus strand). Cytogenetic location: 8q21.3.
Variant type: single nucleotide variant.
Coding change: c.1024C>G on transcript NM_002485.5 (MANE Select); coding-DNA position 1024, C replaced by G.
Protein change: p.Leu342Val; replaces leucine 342 with valine.
Molecular consequence: missense variant.
Genome position (GRCh38, 1-based): chr8:89,958,825, G>C on the plus strand (C>G on the coding strand, the complement: NBN is on the minus strand). VCF-style: chr8-89958825-G-C. GRCh37 (hg19) VCF-style: chr8-90971053-G-C.
Other names: c.778C>G, p.Leu260Val (NM_001024688.3); short protein forms L342V, L260V.
Identifiers: ClinVar variation 1769043 (VCV001769043.2), dbSNP rs587782656, ClinGen allele CA371656763.